The following is an entry in ClinVar:

NM_025137.4(SPG11):c.6011T>G (p.Leu2004Trp)

Gene: SPG11 (SPG11 vesicle trafficking associated, spatacsin; minus strand). Cytogenetic location: 15q21.1.
Variant type: single nucleotide variant.
Coding change: c.6011T>G on transcript NM_025137.4 (MANE Select); coding-DNA position 6011, T replaced by G.
Protein change: p.Leu2004Trp; replaces leucine 2004 with tryptophan.
Molecular consequence: missense variant. On other transcripts: intron variant (1).
Genome position (GRCh38, 1-based): chr15:44,573,741, A>C on the plus strand (T>G on the coding strand, the complement: SPG11 is on the minus strand). VCF-style: chr15-44573741-A-C. GRCh37 (hg19) VCF-style: chr15-44865939-A-C.
Other names: c.5867T>G, p.Leu1956Trp (NM_001411132.1); c.5867-921T>G (NM_001160227.2); short protein forms L1956W, L2004W.
Identifiers: ClinVar variation 4875245 (VCV004875245.2).

ClinVar aggregate classification (germline): Uncertain significance (1 of 4 stars; one submission).

Submission:

CeGaT Center for Human Genetics Tuebingen
Classification: Uncertain significance. Last evaluated: 2026-06-01. Review status: criteria provided, single submitter. Criteria: CeGaT Center For Human Genetics Tuebingen Variant Classification Criteria Version 2. Collection method: clinical testing. Allele origin: germline. Affected: yes. Observed: 1 variant allele.
Comment: SPG11: PM2